The following is an entry in ClinVar:

ClinVar aggregate classification (germline): Uncertain significance. Review status: criteria provided, multiple submitters, no conflicts (2 of 4 stars). 2 submissions from 2 submitters: Uncertain significance (2). Last evaluated 2026-01-26.

Conditions:
Pitt-Hopkins-like syndrome 2 (PTHSL2). Identifiers: Orphanet 221150, Orphanet 600663, MedGen C3280479, MONDO:0013690, OMIM 614325.

Allele frequency attached by ClinVar (database versions not stated): gnomAD 0.00001; gnomAD exomes 0.00001; ExAC 0.00002; TOPMed 0.00002.

Submissions (2):

Labcorp Genetics (formerly Invitae), Labcorp
Classification: Uncertain significance for Pitt-Hopkins-like syndrome 2. Last evaluated: 2026-01-26. Review status: criteria provided, single submitter. Criteria: Invitae Variant Classification Sherloc (09022015). Collection method: clinical testing. Allele origin: germline.
Comment: This sequence change replaces aspartic acid, which is acidic and polar, with asparagine, which is neutral and polar, at codon 945 of the NRXN1 protein (p.Asp945Asn). This variant is present in population databases (rs773147215, gnomAD 0.01%). This variant has not been reported in the literature in individuals affected with NRXN1-related conditions. ClinVar contains an entry for this variant (Variation ID: 472645). An algorithm developed to predict the effect of missense changes on protein structure and function (PolyPhen-2) suggests that this variant is likely to be tolerated. In summary, the available evidence is currently insufficient to determine the role of this variant in disease. Therefore, it has been classified as a Variant of Uncertain Significance.

GeneDx
Classification: Uncertain significance. Last evaluated: 2022-03-14. Review status: criteria provided, single submitter. Criteria: GeneDx Variant Classification Process June 2021. Collection method: clinical testing. Allele origin: germline. Affected: yes.
Comment: In silico analysis supports that this missense variant has a deleterious effect on protein structure/function; Missense variant in a gene in which most reported pathogenic variants are truncating/loss-of-function; Has not been previously published as pathogenic or benign to our knowledge

NM_001330078.2(NRXN1):c.2713G>A (p.Asp905Asn)

Gene: NRXN1 (neurexin 1; minus strand). Cytogenetic location: 2p16.3.
Variant type: single nucleotide variant.
Coding change: c.2713G>A on transcript NM_001330078.2 (MANE Select); coding-DNA position 2713, G replaced by A.
Protein change: p.Asp905Asn; replaces aspartic acid 905 with asparagine.
Molecular consequence: missense variant.
Genome position (GRCh38, 1-based): chr2:50,497,499, C>T on the plus strand (G>A on the coding strand, the complement: NRXN1 is on the minus strand). VCF-style: chr2-50497499-C-T. GRCh37 (hg19) VCF-style: chr2-50724637-C-T.
Other names: c.2833G>A, p.Asp945Asn (NM_001135659.3); c.2689G>A, p.Asp897Asn (NM_001330077.2, NM_001330082.2); c.2647G>A, p.Asp883Asn (NM_001330083.2, NM_001330084.2); c.2686G>A, p.Asp896Asn (NM_001330085.2); c.2713G>A, p.Asp905Asn (NM_001330086.2, NM_004801.6); c.2602G>A, p.Asp868Asn (NM_001330087.2, NM_001330096.2); c.2632G>A, p.Asp878Asn (NM_001330088.2); c.2710G>A, p.Asp904Asn (NM_001330093.2); and 2 more; short protein forms D945N, D883N, D901N, D878N, D888N, D868N, D896N, D904N.
Identifiers: ClinVar variation 472645 (VCV000472645.14), dbSNP rs773147215, ClinGen allele CA1654742.